The following is an entry in ClinVar:

ClinVar aggregate classification (germline): Likely benign. Review status: criteria provided, multiple submitters, no conflicts (2 of 4 stars). 2 submissions from 2 submitters: Likely benign (2). Last evaluated 2025-02-24.

Conditions:
Hypertrophic cardiomyopathy. Also called: HYPERTROPHIC MYOCARDIOPATHY. Identifiers: Orphanet 217569, MedGen C0007194, MeSH D002312, MONDO:0005045, HP:0001639.
Dilated cardiomyopathy 1R (CMD1R). Identifiers: Orphanet 154, Orphanet 54260, MedGen C3150681, MONDO:0013261, OMIM 613424.
Atrial septal defect 5 (ASD5). Identifiers: Orphanet 1478, MedGen C2748552, MONDO:0013011, OMIM 612794.
Hypertrophic cardiomyopathy 11. Also called: ACTC1-Related Familial Hypertrophic Cardiomyopathy. Identifiers: MedGen C2677506, MONDO:0012799, OMIM 612098.

Allele frequency attached by ClinVar (database versions not stated): gnomAD exomes below 0.00001; gnomAD 0.00001; TOPMed 0.00002.
gnomAD v4.1: 5 of 1,614,038 alleles (0.00031%); highest among the groups gnomAD compares: African/African-American, 0.0067%; no homozygotes.

Submissions (2):

Labcorp Genetics (formerly Invitae), Labcorp
Classification: Likely benign for Dilated cardiomyopathy 1R; Hypertrophic cardiomyopathy 11; Atrial septal defect 5. Last evaluated: 2025-02-24. Review status: criteria provided, single submitter. Criteria: Invitae Variant Classification Sherloc (09022015). Collection method: clinical testing. Allele origin: germline.

All of Us Research Program, National Institutes of Health
Classification: Likely benign for Hypertrophic cardiomyopathy. Last evaluated: 2023-12-13. Review status: criteria provided, single submitter. Criteria: ACMG Guidelines, 2015. Collection method: clinical testing. Allele origin: germline. Inheritance: Autosomal dominant inheritance. Observed: 1 variant allele, 1 heterozygote.
Comment: This study involves interpretation of variants in research participants for the purpose of population health screening. Participant phenotype was not available at the time of variant classification. Additional details can be found in publication PMID: 35346344, PMCID: PMC8962531

NM_005159.5(ACTC1):c.455-12T>C

Genes: GJD2-DT (GJD2 divergent transcript; plus strand), ACTC1 (actin alpha cardiac muscle 1; minus strand). Cytogenetic location: 15q14.
Variant type: single nucleotide variant.
Coding change: c.455-12T>C on transcript NM_005159.5 (MANE Select); 12 bases into the intron before coding-DNA position 455, T replaced by C.
Molecular consequence: intron variant.
Genome position (GRCh38, 1-based): chr15:34,792,581, A>G on the plus strand (T>C on the coding strand, the complement: ACTC1 is on the minus strand). VCF-style: chr15-34792581-A-G. GRCh37 (hg19) VCF-style: chr15-35084782-A-G.
Identifiers: ClinVar variation 2182960 (VCV002182960.5), dbSNP rs1046998236, ClinGen allele CA268662543.